The following is an entry in ClinVar:

ClinVar aggregate classification (germline): Uncertain significance (1 of 4 stars; one submission).

Conditions:
Hereditary cancer-predisposing syndrome. Also called: Neoplastic Syndromes, Hereditary; Tumor predisposition; Hereditary Cancer Syndrome; Hereditary neoplastic syndrome. Identifiers: Orphanet 140162, MedGen C0027672, MeSH D009386, MONDO:0015356.

Submission:

Ambry Genetics
Classification: Uncertain significance for Hereditary cancer-predisposing syndrome. Last evaluated: 2022-08-29. Review status: criteria provided, single submitter. Criteria: Ambry Variant Classification Scheme 2023. Collection method: clinical testing. Allele origin: germline.
Comment: The c.792+3A>C intronic variant results from an A to C substitution 3 nucleotides after coding exon 5 in the CHEK2 gene. This nucleotide position is well conserved in available vertebrate species. In silico splice site analysis predicts that this alteration will weaken the native splice donor site; however, direct evidence is insufficient at this time (Ambry internal data). Since supporting evidence is limited at this time, the clinical significance of this alteration remains unclear.

NM_007194.4(CHEK2):c.792+3A>C

Gene: CHEK2 (checkpoint kinase 2; minus strand). Cytogenetic location: 22q12.1.
Variant type: single nucleotide variant.
Coding change: c.792+3A>C on transcript NM_007194.4 (MANE Select); 3 bases into the intron after coding-DNA position 792, A replaced by C.
Molecular consequence: intron variant.
Genome position (GRCh38, 1-based): chr22:28,711,906, T>G on the plus strand (A>C on the coding strand, the complement: CHEK2 is on the minus strand). VCF-style: chr22-28711906-T-G. GRCh37 (hg19) VCF-style: chr22-29107894-T-G.
Other names: c.129+3A>C (NM_001437942.1, NM_001257387.3); c.591+3A>C (NM_001349956.3); c.792+3A>C (NM_145862.3); c.885+3A>C (NM_001438295.1, NM_001438293.1); c.921+3A>C (NM_001438294.1, NM_001005735.3).
Identifiers: ClinVar variation 1761233 (VCV001761233.2), dbSNP rs2517959234, ClinGen allele CA2580099674.
Genomic context (GRCh38, chr22:28,711,906, plus strand): 5'-ATTATTTTGGGAAGTTATGAAGACGTGTTAATAAAAGGTGATCAGCCTTTTATTGGTACT[T>G]ACTGCCTCTCTTGCTGAACCAATAGCAAACTTCCTTTTGCTGATGATCTTTATGGCTACT-3'